The following is an entry in ClinVar:

ClinVar aggregate classification (germline): Pathogenic (1 of 4 stars; one submission).

Conditions:
Hereditary cancer-predisposing syndrome. Also called: Neoplastic Syndromes, Hereditary; Tumor predisposition; Hereditary Cancer Syndrome; Hereditary neoplastic syndrome. Identifiers: Orphanet 140162, MedGen C0027672, MeSH D009386, MONDO:0015356.

Submission:

Ambry Genetics
Classification: Pathogenic for Hereditary cancer-predisposing syndrome. Last evaluated: 2025-11-06. Review status: criteria provided, single submitter. Criteria: Ambry Variant Classification Scheme 2023. Collection method: clinical testing. Allele origin: germline.
Comment: The c.3563_3569delCTTCATC pathogenic mutation, located in coding exon 15 of the APC gene, results from a deletion of 7 nucleotides at nucleotide positions 3563 to 3569, causing a translational frameshift with a predicted alternate stop codon (p.P1188Hfs*75). This alteration occurs at the 3' terminus of the gene, is not expected to trigger nonsense-mediated mRNA decay, and impacts the last 58% of the protein. However, premature stop codons are typically deleterious in nature and the impacted region is critical for protein function (Ambry internal data). This variant was reported in individual(s) with features consistent with APC-related familial adenomatous polyposis (Ambry internal data). This variant is considered to be rare based on population cohorts in the Genome Aggregation Database (gnomAD). Based on the supporting evidence, this variant is interpreted as a disease-causing mutation.

NM_000038.6(APC):c.3563_3569del (p.Pro1188fs)

Gene: APC (APC regulator of Wnt signaling pathway; plus strand). Cytogenetic location: 5q22.2.
Variant type: Deletion.
Coding change: c.3563_3569del on transcript NM_000038.6 (MANE Select); coding-DNA positions 3563 to 3569, 7 bases deleted (CTTCATC; older notation c.3563_3569delCTTCATC).
Protein change: p.Pro1188fs; shifts the reading frame from proline 1188.
Molecular consequence: frameshift variant. On other transcripts: non-coding transcript variant (2).
Genome position (GRCh38, 1-based): chr5:112,839,157-112,839,163, CTTCATC deleted; deleting any 7 consecutive bases within chr5:112,839,155-112,839,163 gives the same sequence; the c. name uses the placement nearest the transcript's 3' end. VCF-style (leftmost placement, unchanged base first): chr5-112839154-TTCCTTCA-T. GRCh37 (hg19) VCF-style: chr5-112174851-TTCCTTCA-T.
Other names: c.3563_3569del, p.Pro1188fs (NM_001127510.3, NM_001354895.2, NM_001407450.1); c.3509_3515del, p.Pro1170fs (NM_001127511.3); c.3617_3623del, p.Pro1206fs (NM_001354896.2, NM_001407447.1, NM_001407448.1 and 1 more transcripts); c.3593_3599del, p.Pro1198fs (NM_001354897.2); c.3488_3494del, p.Pro1163fs (NM_001354898.2); c.3479_3485del, p.Pro1160fs (NM_001354899.2); c.3440_3446del, p.Pro1147fs (NM_001354900.2); c.3386_3392del, p.Pro1129fs (NM_001354901.2, NM_001407453.1); and 11 more; short protein forms P1062fs, P1105fs, P1129fs, P1178fs, P1216fs, P1028fs, P1181fs, P1198fs.
Identifiers: ClinVar variation 4586206 (VCV004586206.1).